The following is an entry in ClinVar:

ClinVar aggregate classification (germline): Uncertain significance (1 of 4 stars; one submission).

Allele frequency attached by ClinVar (database versions not stated): gnomAD exomes below 0.00001.
gnomAD v4.1: 3 of 1,614,192 alleles (0.00019%); highest among the groups gnomAD compares: Non-Finnish European, 0.00025%; no homozygotes.

Submission:

Labcorp Genetics (formerly Invitae), Labcorp
Classification: Uncertain significance. Last evaluated: 2023-10-10. Review status: criteria provided, single submitter. Criteria: Invitae Variant Classification Sherloc (09022015). Collection method: clinical testing. Allele origin: germline.
Comment: This sequence change replaces aspartic acid, which is acidic and polar, with tyrosine, which is neutral and polar, at codon 50 of the LIG1 protein (p.Asp50Tyr). This variant is not present in population databases (gnomAD no frequency). This variant has not been reported in the literature in individuals affected with LIG1-related conditions. An algorithm developed to predict the effect of missense changes on protein structure and function (PolyPhen-2) suggests that this variant is likely to be disruptive. In summary, the available evidence is currently insufficient to determine the role of this variant in disease. Therefore, it has been classified as a Variant of Uncertain Significance.

NM_000234.3(LIG1):c.148G>T (p.Asp50Tyr)

Gene: LIG1 (DNA ligase 1; minus strand). Cytogenetic location: 19q13.33.
Variant type: single nucleotide variant.
Coding change: c.148G>T on transcript NM_000234.3 (MANE Select); coding-DNA position 148, G replaced by T.
Protein change: p.Asp50Tyr; replaces aspartic acid 50 with tyrosine.
Molecular consequence: missense variant. On other transcripts: non-coding transcript variant (6).
Genome position (GRCh38, 1-based): chr19:48,161,467, C>A on the plus strand (G>T on the coding strand, the complement: LIG1 is on the minus strand). VCF-style: chr19-48161467-C-A. GRCh37 (hg19) VCF-style: chr19-48664724-C-A.
Other names: c.58G>T, p.Asp20Tyr (NM_001289063.2, NM_001320971.2); c.148G>T, p.Asp50Tyr (NM_001289064.2, NM_001320970.2); short protein forms D50Y, D20Y.
Identifiers: ClinVar variation 2806585 (VCV002806585.3), dbSNP rs2514333654, ClinGen allele CA406642969.